The following is an entry in ClinVar:

ClinVar aggregate classification (germline): Uncertain significance (1 of 4 stars; one submission).

Conditions:
Neutropenia, severe congenital, 1, autosomal dominant. Identifiers: MedGen C1859966, MONDO:0042490, OMIM 202700.
Cyclical neutropenia. Also called: Cyclic hematopoiesis; Cyclic Neutropenia. Identifiers: Orphanet 2686, MedGen C0221023, MONDO:0008090, OMIM 162800, HP:0040289. Disease mechanism: loss of function.

gnomAD v4.1: 4 of 1,578,910 alleles (0.00025%); highest among the groups gnomAD compares: African/African-American, 0.0013%; no homozygotes.

Submission:

Labcorp Genetics (formerly Invitae), Labcorp
Classification: Uncertain significance for Neutropenia, severe congenital, 1, autosomal dominant; Cyclical neutropenia. Last evaluated: 2025-09-02. Review status: criteria provided, single submitter. Criteria: Invitae Variant Classification Sherloc (09022015). Collection method: clinical testing. Allele origin: germline.
Comment: This sequence change replaces asparagine, which is neutral and polar, with serine, which is neutral and polar, at codon 63 of the ELANE protein (p.Asn63Ser). The frequency data for this variant in the population databases is considered unreliable, as metrics indicate poor data quality at this position in the gnomAD database. This variant has not been reported in the literature in individuals affected with ELANE-related conditions. Invitae Evidence Modeling of protein sequence and biophysical properties (such as structural, functional, and spatial information, amino acid conservation, physicochemical variation, residue mobility, and thermodynamic stability) indicates that this missense variant is not expected to disrupt ELANE protein function with a negative predictive value of 95%. In summary, the available evidence is currently insufficient to determine the role of this variant in disease. Therefore, it has been classified as a Variant of Uncertain Significance.

NM_001972.4(ELANE):c.188A>G (p.Asn63Ser)

Gene: ELANE (elastase, neutrophil expressed; plus strand). Cytogenetic location: 19p13.3.
Variant type: single nucleotide variant.
Coding change: c.188A>G on transcript NM_001972.4 (MANE Select); coding-DNA position 188, A replaced by G.
Protein change: p.Asn63Ser; replaces asparagine 63 with serine.
Molecular consequence: missense variant.
Genome position (GRCh38, 1-based): chr19:852,996, A>G. VCF-style: chr19-852996-A-G. GRCh37 (hg19) VCF-style: chr19-852996-A-G.
Other names: short protein forms N63S.
Identifiers: ClinVar variation 4790538 (VCV004790538.1).